The following is an entry in ClinVar:

NM_004667.6(HERC2):c.4689A>G (p.Pro1563=)

Gene: HERC2 (HECT and RLD domain containing E3 ubiquitin protein ligase 2; minus strand). Cytogenetic location: 15q13.1.
Variant type: single nucleotide variant.
Coding change: c.4689A>G on transcript NM_004667.6 (MANE Select); coding-DNA position 4689, A replaced by G.
Protein change: p.Pro1563=; no amino-acid change (proline 1563 retained).
Molecular consequence: synonymous variant.
Genome position (GRCh38, 1-based): chr15:28,230,487, T>C on the plus strand (A>G on the coding strand, the complement: HERC2 is on the minus strand). VCF-style: chr15-28230487-T-C. GRCh37 (hg19) VCF-style: chr15-28475633-T-C.
Identifiers: ClinVar variation 2645071 (VCV002645071.25), dbSNP rs201509405, ClinGen allele CA7442565.
Genomic context (GRCh38, chr15:28,230,487, plus strand): 5'-GCAAGCTTCTTCTAAATCACTCTCTTCGTTTCCAATTTTTTCTTCATCATCCGTAGATTC[T>C]GGCTTCTTAGGAACTGTGTTTTAAAACATCATTCACTATAAAAATCATACACTTAAATAT-3'
Protein context (NP_004658.3, residues 1553-1573): ERRKKRVPKK[Pro1563=]ESTDDEEKIG

ClinVar aggregate classification (germline): Likely benign. Review status: criteria provided, multiple submitters, no conflicts (2 of 4 stars). 2 submissions from 2 submitters: Likely benign (2). Last evaluated 2025-10-01.

Allele frequency attached by ClinVar (database versions not stated): gnomAD exomes 0.00049; gnomAD 0.00050; TOPMed 0.00070; 1000 Genomes Project 30x 0.00109; ExAC 0.00123; 1000 Genomes Project 0.00140.
gnomAD v4.1: 622 of 1,265,024 alleles (0.049%); highest among the groups gnomAD compares: East Asian, 0.95%; 1 homozygote.

Submissions (2):

CeGaT Center for Human Genetics Tuebingen
Classification: Likely benign. Last evaluated: 2025-10-01. Review status: criteria provided, single submitter. Criteria: CeGaT Center For Human Genetics Tuebingen Variant Classification Criteria Version 2. Collection method: clinical testing. Allele origin: germline. Affected: yes. Observed: 3 variant alleles.
Comment: HERC2: BP4, BP7

Blueprint Genetics
Classification: Likely benign. Last evaluated: 2024-11-14. Review status: criteria provided, single submitter. Criteria: ACMG Guidelines, 2015. Collection method: clinical testing. Allele origin: germline.